The following is an entry in ClinVar:

NM_020338.4(ZMIZ1):c.2959T>C (p.Ser987Pro)

Gene: ZMIZ1 (zinc finger MIZ-type containing 1; plus strand). Cytogenetic location: 10q22.3.
Variant type: single nucleotide variant.
Coding change: c.2959T>C on transcript NM_020338.4 (MANE Select); coding-DNA position 2959, T replaced by C.
Protein change: p.Ser987Pro; replaces serine 987 with proline.
Molecular consequence: missense variant.
Genome position (GRCh38, 1-based): chr10:79,311,047, T>C. VCF-style: chr10-79311047-T-C. GRCh37 (hg19) VCF-style: chr10-81070804-T-C.
Other names: short protein forms S987P.
Identifiers: ClinVar variation 4782199 (VCV004782199.1).

ClinVar aggregate classification (germline): Uncertain significance (1 of 4 stars; one submission).

gnomAD v4.1: 11 of 1,612,598 alleles (0.00068%); highest among the groups gnomAD compares: East Asian, 0.0022%; no homozygotes.

Submission:

Labcorp Genetics (formerly Invitae), Labcorp
Classification: Uncertain significance. Last evaluated: 2025-06-15. Review status: criteria provided, single submitter. Criteria: Invitae Variant Classification Sherloc (09022015). Collection method: clinical testing. Allele origin: germline.
Comment: This sequence change replaces serine, which is neutral and polar, with proline, which is neutral and non-polar, at codon 987 of the ZMIZ1 protein (p.Ser987Pro). This variant is present in population databases (rs764174637, gnomAD 0.0009%). This variant has not been reported in the literature in individuals affected with ZMIZ1-related conditions. Invitae Evidence Modeling of protein sequence and biophysical properties (such as structural, functional, and spatial information, amino acid conservation, physicochemical variation, residue mobility, and thermodynamic stability) indicates that this missense variant is not expected to disrupt ZMIZ1 protein function with a negative predictive value of 95%. In summary, the available evidence is currently insufficient to determine the role of this variant in disease. Therefore, it has been classified as a Variant of Uncertain Significance.